The following is an entry in ClinVar:

NM_001035.3(RYR2):c.8437-5T>C

Gene: RYR2 (ryanodine receptor 2; plus strand). Cytogenetic location: 1q43.
Variant type: single nucleotide variant.
Coding change: c.8437-5T>C on transcript NM_001035.3 (MANE Select); 5 bases into the intron before coding-DNA position 8437, T replaced by C.
Molecular consequence: intron variant.
Genome position (GRCh38, 1-based): chr1:237,666,507, T>C. VCF-style: chr1-237666507-T-C. GRCh37 (hg19) VCF-style: chr1-237829807-T-C.
Other names: c.8437-5T>C (NM_001035.2).
Identifiers: ClinVar variation 2141383 (VCV002141383.5), dbSNP rs760890029, ClinGen allele CA529548246.
Genomic context (GRCh38, chr1:237,666,507, plus strand): 5'-TATAAGTTAAGTCTCTCTTCACAAGGTTTTTAATGAGGCACTGTTTTTTCACACAAATGA[T>C]CTAGGTTTCTGTGGACGCTGCCCATGGTTACAGTCCCCGGGCCATTGACATGAGCAATGT-3'

ClinVar aggregate classification (germline): Conflicting classifications of pathogenicity. Review status: criteria provided, conflicting classifications (1 of 4 stars). 3 submissions from 3 submitters: Uncertain significance (1); Likely benign (2). Last evaluated 2025-05-06.

Conditions:
Cardiovascular phenotype. Identifiers: MedGen CN230736.
Catecholaminergic polymorphic ventricular tachycardia 1. Also called: VENTRICULAR TACHYCARDIA, STRESS-INDUCED POLYMORPHIC 1; VENTRICULAR TACHYCARDIA, CATECHOLAMINERGIC POLYMORPHIC, 1, WITH OR WITHOUT ATRIAL DYSFUNCTION AND/OR DILATED CARDIOMYOPATHY; RYR2-Related Catecholaminergic Polymorphic Ventricular Tachycardia. Identifiers: Orphanet 3286, MedGen C1631597, MONDO:0011484, OMIM 604772.
Cardiomyopathy (CMYO). Also called: Cardiomyopathies. Identifiers: Orphanet 167848, MedGen C0878544, MONDO:0004994, HP:0001638. Inheritance: Various modes of inheritance.

gnomAD v4.1: 3 of 1,610,018 alleles (0.00019%); highest among the groups gnomAD compares: Admixed American, 0.0017%; no homozygotes.

Submissions (3):

Ambry Genetics
Classification: Uncertain significance for Cardiovascular phenotype. Last evaluated: 2025-05-06. Review status: criteria provided, single submitter. Criteria: Ambry Variant Classification Scheme 2023. Collection method: clinical testing. Allele origin: germline.
Comment: The c.8437-5T>C intronic variant results from a T to C substitution 5 nucleotides upstream from coding exon 57 in the RYR2 gene. This nucleotide position is not well conserved in available vertebrate species. In silico splice site analysis predicts that this alteration will not have any significant effect on splicing. Based on the available evidence, the clinical significance of this variant remains unclear.

Labcorp Genetics (formerly Invitae), Labcorp
Classification: Likely benign for Catecholaminergic polymorphic ventricular tachycardia 1. Last evaluated: 2024-10-21. Review status: criteria provided, single submitter. Criteria: Invitae Variant Classification Sherloc (09022015). Collection method: clinical testing. Allele origin: germline.

Color Diagnostics, LLC DBA Color Health
Classification: Likely benign for Cardiomyopathy. Last evaluated: 2019-03-24. Review status: criteria provided, single submitter. Criteria: ACMG Guidelines, 2015. Collection method: clinical testing. Allele origin: germline.